The following is an entry in ClinVar:

ClinVar aggregate classification (germline): Uncertain significance (1 of 4 stars; one submission).

Conditions:
Polyhydramnios, megalencephaly, and symptomatic epilepsy (PMSE). Also called: PMSE SYNDROME. Identifiers: Orphanet 500533, MedGen C1970203, MONDO:0012611, OMIM 611087.

Allele frequency attached by ClinVar (database versions not stated): TOPMed below 0.00001; gnomAD exomes 0.00002.
gnomAD v4.1: 23 of 1,613,964 alleles (0.0014%); highest among the groups gnomAD compares: Non-Finnish European, 0.0019%; no homozygotes.

Submission:

Labcorp Genetics (formerly Invitae), Labcorp
Classification: Uncertain significance for Polyhydramnios, megalencephaly, and symptomatic epilepsy. Last evaluated: 2022-07-19. Review status: criteria provided, single submitter. Criteria: Invitae Variant Classification Sherloc (09022015). Collection method: clinical testing. Allele origin: germline.
Comment: In summary, the available evidence is currently insufficient to determine the role of this variant in disease. Therefore, it has been classified as a Variant of Uncertain Significance. Algorithms developed to predict the effect of missense changes on protein structure and function are either unavailable or do not agree on the potential impact of this missense change (SIFT: "Tolerated"; PolyPhen-2: "Possibly Damaging"; Align-GVGD: "Class C0"). This variant has not been reported in the literature in individuals affected with STRADA-related conditions. This variant is present in population databases (no rsID available, gnomAD 0.0009%). This sequence change replaces histidine, which is basic and polar, with arginine, which is basic and polar, at codon 162 of the STRADA protein (p.His162Arg).

NM_001003787.4(STRADA):c.485A>G (p.His162Arg)

Genes: STRADA (STE20 related adaptor alpha; minus strand), LOC125312417 (Sharpr-MPRA regulatory region 9817; plus strand). Cytogenetic location: 17q23.3.
Variant type: single nucleotide variant.
Coding change: c.485A>G on transcript NM_001003787.4 (MANE Select); coding-DNA position 485, A replaced by G.
Protein change: p.His162Arg; replaces histidine 162 with arginine.
Molecular consequence: missense variant. On other transcripts: non-coding transcript variant (1).
Genome position (GRCh38, 1-based): chr17:63,710,587, T>C on the plus strand (A>G on the coding strand, the complement: STRADA is on the minus strand). VCF-style: chr17-63710587-T-C. GRCh37 (hg19) VCF-style: chr17-61787947-T-C.
Other names: c.374A>G, p.His125Arg (NM_001003786.3, NM_001363789.1, NM_153335.6); c.311A>G, p.His104Arg (NM_001003788.3, NM_001363790.1, NM_001363791.1); c.398A>G, p.His133Arg (NM_001165969.2, NM_001363787.1, NM_001411084.1); c.353A>G, p.His118Arg (NM_001165970.2); c.461A>G, p.His154Arg (NM_001363786.1); c.485A>G, p.His162Arg (NM_001363788.1, NM_001411083.1, NM_001411085.1); short protein forms H118R, H133R, H154R, H162R, H104R, H125R.
Identifiers: ClinVar variation 2097725 (VCV002097725.4), dbSNP rs1347918699, ClinGen allele CA400592692.
Genomic context (GRCh38, chr17:63,710,587, plus strand): 5'-GCCTTCAGCACCCCCTGCAGGATGTAAGCAATCGCCAGCTCATTCATGCCATCCATGAAG[T>C]GTGTACAGATGAGATCTTTTGCAGAACCTGCAGAAAAGGATTGCATGGAGGCAGTGAAAG-3'
Protein context (NP_001003787.1, residues 152-172): YGSAKDLICT[His162Arg]FMDGMNELAI